The following is an entry in ClinVar:

NM_000245.4(MET):c.446A>G (p.Asn149Ser)

Gene: MET (MET proto-oncogene, receptor tyrosine kinase; plus strand). Cytogenetic location: 7q31.2.
Variant type: single nucleotide variant.
Coding change: c.446A>G on transcript NM_000245.4 (MANE Select); coding-DNA position 446, A replaced by G.
Protein change: p.Asn149Ser; replaces asparagine 149 with serine.
Molecular consequence: missense variant. On other transcripts: intron variant (1).
Genome position (GRCh38, 1-based): chr7:116,699,530, A>G. VCF-style: chr7-116699530-A-G. GRCh37 (hg19) VCF-style: chr7-116339584-A-G.
Other names: c.446A>G, p.Asn149Ser (NM_001127500.3, NM_001324401.3); c.-91+26953A>G (NM_001324402.2); short protein forms N149S.
Identifiers: ClinVar variation 824911 (VCV000824911.14), dbSNP rs772398152, ClinGen allele CA4447992.
Genomic context (GRCh38, chr7:116,699,530, plus strand): 5'-AACTCATTAGCTGTGGCAGCGTCAACAGAGGGACCTGCCAGCGACATGTCTTTCCCCACA[A>G]TCATACTGCTGACATACAGTCGGAGGTTCACTGCATATTCTCCCCACAGATAGAAGAGCC-3'
Protein context (NP_000236.2, residues 139-159): GTCQRHVFPH[Asn149Ser]HTADIQSEVH

ClinVar aggregate classification (germline): Conflicting classifications of pathogenicity. Review status: criteria provided, conflicting classifications (1 of 4 stars). 3 submissions from 3 submitters: Uncertain significance (2); Likely benign (1). Last evaluated 2026-03-03.

Conditions:
Hepatocellular carcinoma (HCC). Also called: Primary carcinoma of liver; HEPATOMA; LIVER CELL CARCINOMA. Identifiers: Orphanet 88673, MedGen C2239176, MONDO:0007256, OMIM 114550, HP:0001402.
Osteofibrous dysplasia (OSFD). Also called: Tibia, bowing of, with pseudarthrosis and pectus excavatum. Identifiers: Orphanet 488265, MedGen C4085248, MONDO:0011806, OMIM 607278.
Autosomal recessive nonsyndromic hearing loss 97. Also called: Deafness, autosomal recessive 97. Identifiers: Orphanet 90636, MedGen C4084709, MONDO:0014739, OMIM 616705.
Papillary renal cell carcinoma type 1 (RCCP1). Also called: RENAL CELL CARCINOMA, PAPILLARY, 1, SOMATIC; Renal adenocarcinoma; Renal cell carcinoma 1; Renal cell carcinoma, somatic. Identifiers: Orphanet 47044, MedGen C1336839, OMIM 605074, HP:0011797.
Renal cell carcinoma. Identifiers: Orphanet 217071, MedGen C0007134, MeSH D002292, MONDO:0005086, HP:0005584.
Hereditary cancer-predisposing syndrome. Also called: Hereditary Cancer Syndrome; Tumor predisposition; Neoplastic Syndromes, Hereditary; Hereditary neoplastic syndrome. Identifiers: Orphanet 140162, MedGen C0027672, MeSH D009386, MONDO:0015356.

Allele frequency attached by ClinVar (database versions not stated): gnomAD exomes below 0.00001 and 0.00001; TOPMed below 0.00001; ExAC 0.00001; gnomAD 0.00001.
gnomAD v4.1: 2 of 1,613,896 alleles (0.00012%); highest among the groups gnomAD compares: South Asian, 0.0011%; no homozygotes.

Submissions (3):

Ambry Genetics
Classification: Likely benign for Hereditary cancer-predisposing syndrome. Last evaluated: 2026-03-03. Review status: criteria provided, single submitter. Criteria: Ambry Variant Classification Scheme 2023. Collection method: clinical testing. Allele origin: germline.

Labcorp Genetics (formerly Invitae), Labcorp
Classification: Uncertain significance for Renal cell carcinoma. Last evaluated: 2024-11-26. Review status: criteria provided, single submitter. Criteria: Invitae Variant Classification Sherloc (09022015). Collection method: clinical testing. Allele origin: germline.
Comment: This sequence change replaces asparagine, which is neutral and polar, with serine, which is neutral and polar, at codon 149 of the MET protein (p.Asn149Ser). This variant is present in population databases (rs772398152, gnomAD 0.003%). This variant has not been reported in the literature in individuals affected with MET-related conditions. ClinVar contains an entry for this variant (Variation ID: 824911). Invitae Evidence Modeling of protein sequence and biophysical properties (such as structural, functional, and spatial information, amino acid conservation, physicochemical variation, residue mobility, and thermodynamic stability) indicates that this missense variant is not expected to disrupt MET protein function with a negative predictive value of 80%. In summary, the available evidence is currently insufficient to determine the role of this variant in disease. Therefore, it has been classified as a Variant of Uncertain Significance.

Fulgent Genetics
Classification: Uncertain significance for Hepatocellular carcinoma; Papillary renal cell carcinoma type 1; Osteofibrous dysplasia; Autosomal recessive nonsyndromic hearing loss 97. Last evaluated: 2021-08-17. Review status: criteria provided, single submitter. Criteria: ACMG Guidelines, 2015. Collection method: clinical testing. Allele origin: unknown.